The following is an entry in ClinVar:

NM_015123.3(FRMD4B):c.885A>G (p.Gln295=)

Gene: FRMD4B (FERM domain containing 4B; minus strand). Cytogenetic location: 3p14.1.
Variant type: single nucleotide variant.
Coding change: c.885A>G on transcript NM_015123.3 (MANE Select); coding-DNA position 885, A replaced by G.
Protein change: p.Gln295=; no amino-acid change (glutamine 295 retained).
Molecular consequence: synonymous variant.
Genome position (GRCh38, 1-based): chr3:69,198,766, T>C on the plus strand (A>G on the coding strand, the complement: FRMD4B is on the minus strand). VCF-style: chr3-69198766-T-C. GRCh37 (hg19) VCF-style: chr3-69247917-T-C.
Other names: NC_000003.11:g.69247917T>C.
Identifiers: ClinVar variation 2653962 (VCV002653962.25), dbSNP rs189397393, ClinGen allele CA2489758.

ClinVar aggregate classification (germline): Likely benign (1 of 4 stars; one submission).

Allele frequency attached by ClinVar (database versions not stated): 1000 Genomes Project 30x 0.00141; 1000 Genomes Project 0.00160; gnomAD 0.00217; TOPMed 0.00227; ESP Exome Variant Server 0.00239; ExAC 0.00334; gnomAD exomes 0.00384.
gnomAD v4.1: 5,532 of 1,513,048 alleles (0.37%); highest among the groups gnomAD compares: Non-Finnish European, 0.46%; 16 homozygotes.

Submissions (8):

CeGaT Center for Human Genetics Tuebingen
Classification: Likely benign. Last evaluated: 2022-07-01. Review status: criteria provided, single submitter. Criteria: CeGaT Center For Human Genetics Tuebingen Variant Classification Criteria Version 2. Collection method: clinical testing. Allele origin: germline. Affected: yes. Observed: 1 variant allele.
Comment: FRMD4B: BP4, BP7

Dr. Peter K. Rogan Lab, Western University
No classification provided (evidence only). Condition: Clear cell carcinoma of kidney. Review status: no classification provided. Collection method: in vitro. Allele origin: not applicable. Functional consequence: retained intron. Not counted in ClinVar's aggregate classification.

Dr. Peter K. Rogan Lab, Western University
No classification provided (evidence only). Condition: Hepatocellular carcinoma. Review status: no classification provided. Collection method: in vitro. Allele origin: not applicable. Functional consequence: retained intron. Not counted in ClinVar's aggregate classification.

Dr. Peter K. Rogan Lab, Western University
No classification provided (evidence only). Condition: Ovarian serous cystadenocarcinoma. Review status: no classification provided. Collection method: in vitro. Allele origin: not applicable. Functional consequence: retained intron. Not counted in ClinVar's aggregate classification.

Dr. Peter K. Rogan Lab, Western University
No classification provided (evidence only). Condition: Gastric cancer. Review status: no classification provided. Collection method: in vitro. Allele origin: not applicable. Functional consequence: retained intron. Not counted in ClinVar's aggregate classification.

Dr. Peter K. Rogan Lab, Western University
No classification provided (evidence only). Condition: Malignant tumor of esophagus. Review status: no classification provided. Collection method: in vitro. Allele origin: not applicable. Functional consequence: retained intron. Not counted in ClinVar's aggregate classification.

Dr. Peter K. Rogan Lab, Western University
No classification provided (evidence only). Condition: Malignant tumor of esophagus. Review status: no classification provided. Collection method: in vitro. Allele origin: not applicable. Functional consequence: retained intron. Not counted in ClinVar's aggregate classification.

Dr. Peter K. Rogan Lab, Western University
No classification provided (evidence only). Condition: Malignant tumor of esophagus. Review status: no classification provided. Collection method: in vitro. Allele origin: not applicable. Functional consequence: retained intron. Not counted in ClinVar's aggregate classification.